The following is an entry in ClinVar:

NM_001927.4(DES):c.885G>A (p.Trp295Ter)

Gene: DES (desmin; plus strand). Cytogenetic location: 2q35.
Variant type: single nucleotide variant.
Coding change: c.885G>A on transcript NM_001927.4 (MANE Select); coding-DNA position 885, G replaced by A.
Protein change: p.Trp295Ter; replaces tryptophan 295 with a stop codon.
Molecular consequence: nonsense. On other transcripts: intron variant (1).
Genome position (GRCh38, 1-based): chr2:219,420,644, G>A. VCF-style: chr2-219420644-G-A. GRCh37 (hg19) VCF-style: chr2-220285366-G-A.
Other names: c.882G>A, p.Trp294Ter (NM_001382708.1); c.885G>A, p.Trp295Ter (NM_001382710.1, NM_001382711.1, NM_001382712.1); c.615G>A, p.Trp205Ter (NM_001382713.1); c.735+298G>A (NM_001382709.1); c.885G>A (NM_001927.3); short protein forms W294*, W295*, W205*.
Identifiers: ClinVar variation 1071184 (VCV001071184.11), dbSNP rs146755676, ClinGen allele CA65982808.

ClinVar aggregate classification (germline): Conflicting classifications of pathogenicity. Review status: criteria provided, conflicting classifications (1 of 4 stars). 5 submissions from 5 submitters: Pathogenic (1); Likely pathogenic (3); Uncertain significance (1). Last evaluated 2024-12-12.

Conditions:
Cardiovascular phenotype. Identifiers: MedGen CN230736.
Neurogenic scapuloperoneal syndrome, Kaeser type (SCPNK). Also called: KAESER SYNDROME. Identifiers: Orphanet 85146, MedGen C1867005, MONDO:0008407, OMIM 181400.
Desmin-related myofibrillar myopathy (MFM1). Also called: MYOFIBRILLAR MYOPATHY WITH ARRHYTHMOGENIC RIGHT VENTRICULAR CARDIOMYOPATHY; DESMIN-RELATED MYOPATHY WITH ARRHYTHMOGENIC RIGHT VENTRICULAR CARDIOMYOPATHY; Myofibrillar myopathy 1; Desminopathy; Desmin related myopathy (former name); Desmin storage myopathy (former name). Identifiers: Orphanet 363543, Orphanet 98909, MedGen C1832370, MONDO:0011076, OMIM 601419.
Dilated cardiomyopathy 1I (CMD1I). Identifiers: Orphanet 154, MedGen C1858154, MONDO:0011482, OMIM 604765.

Allele frequency attached by ClinVar (database versions not stated): gnomAD exomes below 0.00001; TOPMed below 0.00001; gnomAD 0.00001; ESP Exome Variant Server 0.00015.

Submissions (5):

Ambry Genetics
Classification: Uncertain significance for Cardiovascular phenotype. Last evaluated: 2024-12-12. Review status: criteria provided, single submitter. Criteria: Ambry Variant Classification Scheme 2023. Collection method: clinical testing. Allele origin: germline.
Comment: The p.W295* variant (also known as c.885G>A), located in coding exon 4 of the DES gene, results from a G to A substitution at nucleotide position 885. This changes the amino acid from a tryptophan to a stop codon within coding exon 4. This alteration is expected to result in loss of function by premature protein truncation or nonsense-mediated mRNA decay. Although biallelic loss of function alterations in DES have been associated with autosomal recessive DES-related myopathy, haploinsufficiency for DES has not been clearly established as a mechanism of disease for autosomal dominant DES-related myopathy. Since supporting evidence is limited at this time, the clinical significance of this alteration remains unclear.

GeneDx
Classification: Likely pathogenic. Last evaluated: 2023-11-17. Review status: criteria provided, single submitter. Criteria: GeneDx Variant Classification Process June 2021. Collection method: clinical testing. Allele origin: germline. Affected: yes.
Comment: Nonsense variant predicted to result in protein truncation or nonsense mediated decay in a gene for which loss of function is a known mechanism of disease; Not observed at significant frequency in large population cohorts (gnomAD); Has not been previously published as pathogenic or benign to our knowledge

Labcorp Genetics (formerly Invitae), Labcorp
Classification: Pathogenic for Desmin-related myofibrillar myopathy. Last evaluated: 2022-09-01. Review status: criteria provided, single submitter. Criteria: Invitae Variant Classification Sherloc (09022015). Collection method: clinical testing. Allele origin: germline.
Comment: For these reasons, this variant has been classified as Pathogenic. ClinVar contains an entry for this variant (Variation ID: 1071184). This variant has not been reported in the literature in individuals affected with DES-related conditions. This variant is not present in population databases (gnomAD no frequency). This sequence change creates a premature translational stop signal (p.Trp295*) in the DES gene. It is expected to result in an absent or disrupted protein product. Loss-of-function variants in DES are known to be pathogenic (PMID: 23575897).

Fulgent Genetics
Classification: Likely pathogenic for Neurogenic scapuloperoneal syndrome, Kaeser type; Desmin-related myofibrillar myopathy; Dilated cardiomyopathy 1I. Last evaluated: 2021-11-06. Review status: criteria provided, single submitter. Criteria: ACMG Guidelines, 2015. Collection method: clinical testing. Allele origin: unknown.

AiLife Diagnostics
Classification: Likely pathogenic. Last evaluated: 2021-07-23. Review status: criteria provided, single submitter. Criteria: ACMG Guidelines, 2015. Collection method: clinical testing. Allele origin: germline. Affected: yes. Observed: 1 variant allele.

Literature cited by the submitters: PubMed 23575897 (cited by Labcorp Genetics (formerly Invitae), Labcorp).